The following is an entry in ClinVar:

NM_000393.5(COL5A2):c.3458T>C (p.Leu1153Pro)

Gene: COL5A2 (collagen type V alpha 2 chain; minus strand). Cytogenetic location: 2q32.2.
Variant type: single nucleotide variant.
Coding change: c.3458T>C on transcript NM_000393.5 (MANE Select); coding-DNA position 3458, T replaced by C.
Protein change: p.Leu1153Pro; replaces leucine 1153 with proline.
Molecular consequence: missense variant.
Genome position (GRCh38, 1-based): chr2:189,043,164, A>G on the plus strand (T>C on the coding strand, the complement: COL5A2 is on the minus strand). VCF-style: chr2-189043164-A-G. GRCh37 (hg19) VCF-style: chr2-189907890-A-G.
Other names: short protein forms L1153P.
Identifiers: ClinVar variation 3602930 (VCV003602930.1).

ClinVar aggregate classification (germline): Uncertain significance (1 of 4 stars; one submission).

Submission:

GeneDx
Classification: Uncertain significance. Last evaluated: 2024-08-05. Review status: criteria provided, single submitter. Criteria: GeneDx Variant Classification Process June 2021. Collection method: clinical testing. Allele origin: germline. Affected: yes.
Comment: Not observed at significant frequency in large population cohorts (gnomAD); In silico analysis supports that this missense variant has a deleterious effect on protein structure/function; Has not been previously published as pathogenic or benign to our knowledge